The following is an entry in ClinVar:

ClinVar aggregate classification (germline): Uncertain significance. Review status: criteria provided, multiple submitters, no conflicts (2 of 4 stars). 2 submissions from 2 submitters: Uncertain significance (2). Last evaluated 2025-09-03.

Conditions:
Inborn genetic diseases. Identifiers: MedGen C0950123, MeSH D030342.

Allele frequency attached by ClinVar (database versions not stated): ExAC 0.00001; gnomAD 0.00001; gnomAD exomes 0.00002; TOPMed 0.00002; ESP Exome Variant Server 0.00008.
gnomAD v4.1: 27 of 1,614,064 alleles (0.0017%); highest among the groups gnomAD compares: African/African-American, 0.0027%; no homozygotes.

Submissions (2):

Ambry Genetics
Classification: Uncertain significance for Inborn genetic diseases. Last evaluated: 2025-09-03. Review status: criteria provided, single submitter. Criteria: Ambry Variant Classification Scheme 2023. Collection method: clinical testing. Allele origin: germline.

Labcorp Genetics (formerly Invitae), Labcorp
Classification: Uncertain significance. Last evaluated: 2022-04-06. Review status: criteria provided, single submitter. Criteria: Invitae Variant Classification Sherloc (09022015). Collection method: clinical testing. Allele origin: germline.
Comment: This sequence change replaces arginine, which is basic and polar, with glutamine, which is neutral and polar, at codon 267 of the EXTL3 protein (p.Arg267Gln). This variant is present in population databases (rs373044711, gnomAD 0.007%). This variant has not been reported in the literature in individuals affected with EXTL3-related conditions. Algorithms developed to predict the effect of missense changes on protein structure and function are either unavailable or do not agree on the potential impact of this missense change (SIFT: "Tolerated"; PolyPhen-2: "Possibly Damaging"; Align-GVGD: "Class C0"). In summary, the available evidence is currently insufficient to determine the role of this variant in disease. Therefore, it has been classified as a Variant of Uncertain Significance.

NM_001440.4(EXTL3):c.800G>A (p.Arg267Gln)

Gene: EXTL3 (exostosin like glycosyltransferase 3; plus strand). Cytogenetic location: 8p21.1.
Variant type: single nucleotide variant.
Coding change: c.800G>A on transcript NM_001440.4 (MANE Select); coding-DNA position 800, G replaced by A.
Protein change: p.Arg267Gln; replaces arginine 267 with glutamine.
Molecular consequence: missense variant.
Genome position (GRCh38, 1-based): chr8:28,716,859, G>A. VCF-style: chr8-28716859-G-A. GRCh37 (hg19) VCF-style: chr8-28574376-G-A.
Other names: c.800G>A (NM_001440.2); short protein forms R267Q.
Identifiers: ClinVar variation 2171690 (VCV002171690.2), dbSNP rs373044711, ClinGen allele CA4696069.